The following is an entry in ClinVar:

ClinVar aggregate classification (germline): Pathogenic. Review status: criteria provided, multiple submitters, no conflicts (2 of 4 stars). 2 submissions from 2 submitters: Pathogenic (2). Last evaluated 2023-12-18.

gnomAD v4.1: 2 of 1,614,158 alleles (0.00012%); highest among the groups gnomAD compares: Non-Finnish European, 0.00017%; no homozygotes.

Submissions (2):

Labcorp Genetics (formerly Invitae), Labcorp
Classification: Pathogenic. Last evaluated: 2023-12-18. Review status: criteria provided, single submitter. Criteria: Invitae Variant Classification Sherloc (09022015). Collection method: clinical testing. Allele origin: germline.
Comment: This sequence change affects a donor splice site in intron 2 of the CYP11A1 gene. It is expected to disrupt RNA splicing. Variants that disrupt the donor or acceptor splice site typically lead to a loss of protein function (PMID: 16199547), and loss-of-function variants in CYP11A1 are known to be pathogenic (PMID: 15507506, 22435390, 27855232, 229968487). This variant is not present in population databases (gnomAD no frequency). Disruption of this splice site has been observed in individual(s) with clinical features of congenital adrenal insufficiency and/or congenital adrenal insufficiency (PMID: 29178636). In at least one individual the data is consistent with being in trans (on the opposite chromosome) from a pathogenic variant. ClinVar contains an entry for this variant (Variation ID: 280582). Algorithms developed to predict the effect of sequence changes on RNA splicing suggest that this variant may disrupt the consensus splice site. For these reasons, this variant has been classified as Pathogenic.

GeneDx
Classification: Pathogenic. Last evaluated: 2016-05-10. Review status: criteria provided, single submitter. Criteria: GeneDx Variant Classification (06012015). Collection method: clinical testing. Allele origin: germline. Affected: yes.
Comment: The c.425+1G>A pathogenic variant in the CYP11A1 gene has not been reported previously as a pathogenic variant nor as a benign variant, to our knowledge. This splice site variant destroys the canonical splice donor site in intron 2. It is predicted to cause abnormal gene splicing resulting in an in-frame protein product with an abnormal message. The c.425+1G>A variant was not observed in approximately 6,500 individuals of European and African American ancestry in the NHLBI Exome Sequencing Project, indicating it is not a common benign variant in these populations. We interpret c.425+1G>A as a pathogenic variant.

Literature cited by the submitters: PubMed 16199547 (cited by Labcorp Genetics (formerly Invitae), Labcorp); PubMed 15507506 (cited by Labcorp Genetics (formerly Invitae), Labcorp); PubMed 22435390 (cited by Labcorp Genetics (formerly Invitae), Labcorp); PubMed 27855232 (cited by Labcorp Genetics (formerly Invitae), Labcorp); PubMed 229968487 (cited by Labcorp Genetics (formerly Invitae), Labcorp); PubMed 29178636 (cited by Labcorp Genetics (formerly Invitae), Labcorp).

NM_000781.3(CYP11A1):c.425+1G>A

Gene: CYP11A1 (cytochrome P450 family 11 subfamily A member 1; minus strand). Cytogenetic location: 15q24.1.
Variant type: single nucleotide variant.
Coding change: c.425+1G>A on transcript NM_000781.3 (MANE Select); the canonical splice donor site of the intron after coding-DNA position 425, G replaced by A.
Molecular consequence: splice donor variant.
Genome position (GRCh38, 1-based): chr15:74,347,899, C>T on the plus strand (G>A on the coding strand, the complement: CYP11A1 is on the minus strand). VCF-style: chr15-74347899-C-T. GRCh37 (hg19) VCF-style: chr15-74640240-C-T.
Other names: c.-50+1G>A (NM_001099773.2).
Identifiers: ClinVar variation 280582 (VCV000280582.3), dbSNP rs886041759, ClinGen allele CA10603469.